The following is an entry in ClinVar:

ClinVar aggregate classification (germline): Likely pathogenic. Review status: reviewed by expert panel (3 of 4 stars). 4 submissions from 4 submitters: Likely pathogenic (1). 3 of the submissions do not count toward it. Last evaluated 2025-09-07.

Conditions:
RPGR-related retinopathy. Also called: RPGR retinopathy. Identifiers: MedGen CN305589, MONDO:0100437.
RPGR-related disorder. Also called: RPGR-related condition.
Primary ciliary dyskinesia. Also called: Ciliary dyskinesia. Identifiers: Orphanet 244, MedGen C0008780, MONDO:0016575, HP:0012265.

Submissions (4):

ClinGen X-linked Inherited Retinal Disease Variant Curation Expert Panel, ClinGen
Classification: Likely pathogenic for RPGR-related retinopathy. Last evaluated: 2025-09-07. Review status: reviewed by expert panel. Criteria: ClinGen X LinkedIRD ACMG Specifications RPGR V1.0.0. Collection method: curation. Allele origin: germline. Inheritance: X-linked inheritance.
Comment: NM_001034853.2(RPGR):c.494G>T (p.Gly165Val) is a missense variant causing substitution of glycine by valine at amino acid 165. Another missense variant in the same codon, NM_001034853.2(RPGR):c.494G>A (p.Gly165Asp), has been classified as pathogenic for RPGR-related retinopathy by the ClinGen X-linked IRD VCEP, while no benign missense variants have been identified in this codon. The present variant has a higher Grantham’s distance (109) than the comparison variant (94), and SpliceAI has been used to confirm that neither variant has a predicted impact on RPGR splicing (PM5_Supporting). This variant is absent from gnomAD v4.1.0 (PM2_Supporting). This variant has been reported in at least 2 apparently unrelated probands meeting one of the PS4 requirements of a male with some functional vision impairment by age 30 years and/or decreased or absent electroretinogram responses, or a female with functional visual abnormality and documentation of a male relative affected with retinitis pigmentosa (PMID: 34745198, PMID: 31630094, PS4_Supporting). The computational predictor REVEL gives a score of 0.982, which is above the ClinGen X-linked IRD VCEP threshold of ≥ 0.932 and predicts a damaging effect on RPGR function (PP3_Strong). The splicing predictor SpliceAI gives a delta score of 0.06 for splice donor loss, which is lower than the threshold of >0.2 and does not strongly predict a disruption of splicing. Injection of human RPGR mRNA harboring the variant into zebrafish embryos rescued ciliary defects associated with rpgr silencing comparably to wild-type RPGR (PMID: 19815619). However, the BS3_Supporting code is not considered applicable for RPGR. In summary, this variant is classified as likely pathogenic for RPGR-related retinopathy based on the ClinGen X-linked Inherited Retinal Disease Expert Panel Specifications to the ACMG/AMP Variant Interpretation Guidelines for RPGR Version 1.0.0; PM2_Supporting, PP3_Strong, and PS4_Supporting.

Labcorp Genetics (formerly Invitae), Labcorp
Classification: Pathogenic for Primary ciliary dyskinesia. Last evaluated: 2025-09-11. Review status: criteria provided, single submitter. Criteria: Invitae Variant Classification Sherloc (09022015). Collection method: clinical testing. Allele origin: germline. Not counted in ClinVar's aggregate classification.
Comment: This sequence change replaces glycine, which is neutral and non-polar, with valine, which is neutral and non-polar, at codon 165 of the RPGR protein (p.Gly165Val). This variant is not present in population databases (gnomAD no frequency). This missense change has been observed in individuals with retinitis pigmentosa (PMID: 17195164, 31630094; internal data). ClinVar contains an entry for this variant (Variation ID: 1802334). Invitae Evidence Modeling of protein sequence and biophysical properties (such as structural, functional, and spatial information, amino acid conservation, physicochemical variation, residue mobility, and thermodynamic stability) indicates that this missense variant is expected to disrupt RPGR protein function with a positive predictive value of 95%. Experimental studies have shown that this missense change does not substantially affect RPGR function (PMID: 19702441). For these reasons, this variant has been classified as Pathogenic.

PreventionGenetics, part of Exact Sciences
Classification: Likely pathogenic. Last evaluated: 2022-04-01. Review status: criteria provided, single submitter. Criteria: ACMG Guidelines, 2015. Collection method: clinical testing. Allele origin: germline. Not counted in ClinVar's aggregate classification.

Blueprint Genetics
Classification: Pathogenic for RPGR-related disorders. Last evaluated: 2022-03-25. Review status: criteria provided, single submitter. Criteria: ACMG Guidelines, 2015. Collection method: clinical testing. Allele origin: germline. Affected: yes. Observed: 3 variant alleles. Not counted in ClinVar's aggregate classification.

Literature cited by the submitters: PubMed 17195164 (cited by Labcorp Genetics (formerly Invitae), Labcorp); PubMed 31630094 (cited by Labcorp Genetics (formerly Invitae), Labcorp); PubMed 19702441 (cited by Labcorp Genetics (formerly Invitae), Labcorp).

NM_001034853.2(RPGR):c.494G>T (p.Gly165Val)

Gene: RPGR (retinitis pigmentosa GTPase regulator; minus strand). Cytogenetic location: Xp11.4.
Variant type: single nucleotide variant.
Coding change: c.494G>T on transcript NM_001034853.2 (MANE Select); coding-DNA position 494, G replaced by T.
Protein change: p.Gly165Val; replaces glycine 165 with valine.
Molecular consequence: missense variant. On other transcripts: non-coding transcript variant (6).
Genome position (GRCh38, 1-based): chrX:38,317,441, C>A on the plus strand (G>T on the coding strand, the complement: RPGR is on the minus strand). VCF-style: chrX-38317441-C-A. GRCh37 (hg19) VCF-style: chrX-38176694-C-A.
Other names: NM_001034853.2(RPGR):c.494G>T; p.Gly165Val; c.494G>T, p.Gly165Val (NM_000328.3, NM_001367245.1, NM_001367246.1 and 3 more transcripts); c.524G>T, p.Gly175Val (NM_001367248.1); c.491G>T, p.Gly164Val (NM_001367249.1); short protein forms G164V, G165V, G175V.
Identifiers: ClinVar variation 1802334 (VCV001802334.5), dbSNP rs1601972449, ClinGen allele CA412744915.